The following is an entry in ClinVar:

NM_001244008.2(KIF1A):c.4821C>T (p.Ser1607=)

Gene: KIF1A (kinesin family member 1A; minus strand). Cytogenetic location: 2q37.3.
Variant type: single nucleotide variant.
Coding change: c.4821C>T on transcript NM_001244008.2 (MANE Select); coding-DNA position 4821, C replaced by T.
Protein change: p.Ser1607=; no amino-acid change (serine 1607 retained).
Molecular consequence: synonymous variant.
Genome position (GRCh38, 1-based): chr2:240,720,961, G>A on the plus strand (C>T on the coding strand, the complement: KIF1A is on the minus strand). VCF-style: chr2-240720961-G-A. GRCh37 (hg19) VCF-style: chr2-241660378-G-A.
Other names: p.Ser1506=; c.4518C>T (NM_004321.7); c.4821C>T (NM_001244008.1); c.4545C>T, p.Ser1515= (NM_001320705.2, NM_001379649.1); c.4572C>T, p.Ser1524= (NM_001330289.2); c.4620C>T, p.Ser1540= (NM_001330290.2, NM_001379648.1); c.4896C>T, p.Ser1632= (NM_001379631.1); c.4797C>T, p.Ser1599= (NM_001379632.1); and 10 more.
Identifiers: ClinVar variation 532904 (VCV000532904.23), dbSNP rs371014474, ClinGen allele CA2207289.

ClinVar aggregate classification (germline): Likely benign. Review status: criteria provided, multiple submitters, no conflicts (2 of 4 stars). 7 submissions from 7 submitters: Likely benign (7). Last evaluated 2026-09-09.

Conditions:
Hereditary spastic paraplegia 30. Identifiers: Orphanet 101010, MedGen C5235139, MONDO:0012476.
Neuropathy, hereditary sensory, type 2C. Also called: Hereditary sensory and autonomic neuropathy type IIC; KIF1A-Related HSAN2 (HSAN2C). Identifiers: Orphanet 970, MedGen C3280168, MONDO:0013634, OMIM 614213.
Intellectual disability, autosomal dominant 9 (NESCAVS). Also called: NESCAV SYNDROME; KIF1A-Related Neurodevelopmental Disorder. Identifiers: Orphanet 662367, MedGen C5393830, MONDO:0013656, OMIM 614255.
KIF1A-related disorder. Also called: KIF1A-related disorders; KIF1A-related condition.
Inborn genetic diseases. Identifiers: MedGen C0950123, MeSH D030342.

Allele frequency attached by ClinVar (database versions not stated): gnomAD exomes 0.00005 and 0.00022; gnomAD 0.00007; ExAC 0.00009; TOPMed 0.00014; ESP Exome Variant Server 0.00024.
gnomAD v4.1: 349 of 1,601,994 alleles (0.022%); highest among the groups gnomAD compares: Non-Finnish European, 0.027%; 1 homozygote.

Submissions (7):

PreventionGenetics, part of Exact Sciences
Classification: Likely benign for KIF1A-related condition. Last evaluated: 2026-09-09. Review status: criteria provided, single submitter. Criteria: ACMG Guidelines, 2015. Collection method: clinical testing. Allele origin: germline.
Comment: This variant is classified as likely benign based on ACMG/AMP sequence variant interpretation guidelines (Richards et al. 2015 PMID: 25741868, with internal and published modifications).

CeGaT Center for Human Genetics Tuebingen
Classification: Likely benign. Last evaluated: 2026-02-01. Review status: criteria provided, single submitter. Criteria: CeGaT Center For Human Genetics Tuebingen Variant Classification Criteria Version 2. Collection method: clinical testing. Allele origin: germline. Affected: yes. Observed: 1 variant allele.
Comment: KIF1A: BP4, BP7

Labcorp Genetics (formerly Invitae), Labcorp
Classification: Likely benign for Hereditary spastic paraplegia 30; Neuropathy, hereditary sensory, type 2C; Intellectual disability, autosomal dominant 9. Last evaluated: 2025-10-28. Review status: criteria provided, single submitter. Criteria: Invitae Variant Classification Sherloc (09022015). Collection method: clinical testing. Allele origin: germline.

Mayo Clinic Laboratories, Mayo Clinic
Classification: Likely benign. Last evaluated: 2025-08-01. Review status: criteria provided, single submitter. Criteria: ACMG Guidelines, 2015. Collection method: clinical testing. Allele origin: germline. Observed: 1 variant allele.
Comment: BP4, BP7

Women's Health and Genetics/Laboratory Corporation of America, LabCorp
Classification: Likely benign. Last evaluated: 2025-05-23. Review status: criteria provided, single submitter. Criteria: LabCorp Variant Classification Summary - May 2015. Collection method: clinical testing. Allele origin: germline.

GeneDx
Classification: Likely benign. Last evaluated: 2018-11-06. Review status: criteria provided, single submitter. Criteria: GeneDx Variant Classification Process June 2021. Collection method: clinical testing. Allele origin: germline. Affected: yes.

Ambry Genetics
Classification: Likely benign for Inborn genetic diseases. Last evaluated: 2018-06-06. Review status: criteria provided, single submitter. Criteria: Ambry Variant Classification Scheme 2023. Collection method: clinical testing. Allele origin: germline.